The following is an entry in ClinVar:

NM_178821.3(DAW1):c.1051A>T (p.Ile351Phe)

Gene: DAW1 (dynein assembly factor with WD repeats 1; plus strand). Cytogenetic location: 2q36.3.
Variant type: single nucleotide variant.
Coding change: c.1051A>T on transcript NM_178821.3 (MANE Select); coding-DNA position 1051, A replaced by T.
Protein change: p.Ile351Phe; replaces isoleucine 351 with phenylalanine.
Molecular consequence: missense variant. On other transcripts: non-coding transcript variant (1).
Genome position (GRCh38, 1-based): chr2:227,921,399, A>T. VCF-style: chr2-227921399-A-T. GRCh37 (hg19) VCF-style: chr2-228786115-A-T.
Other names: c.1006A>T, p.Ile336Phe (NM_001330004.2); short protein forms I336F, I351F.
Identifiers: ClinVar variation 4879566 (VCV004879566.1).

ClinVar aggregate classification (germline): Uncertain significance (1 of 4 stars; one submission).

Conditions:
Ciliary dyskinesia, primary, 52 (CILD52). Also called: CILIARY DYSKINESIA, PRIMARY, 52, WITH OR WITHOUT SITUS INVERSUS. Identifiers: MedGen C5882714, MONDO:0957922, OMIM 620570.

gnomAD v4.1: 251 of 1,401,232 alleles (0.018%); highest among the groups gnomAD compares: African/African-American, 0.34%; no homozygotes.

Submission:

Clinical Genomics Laboratory, Washington University in St. Louis
Classification: Uncertain significance for Ciliary dyskinesia, primary, 52. Last evaluated: 2026-01-23. Review status: criteria provided, single submitter. Criteria: ACMG Guidelines, 2015. Collection method: clinical testing. Allele origin: germline.
Comment: The DAW1 c.1051A>T (p.Ile351Phe) variant, to our knowledge, has not been reported in the medical literature. The highest population minor allele frequency in the population database genome aggregation database (v.4.1.0) is 0.04%. Computational predictors are uncertain as to the impact of this variant on DAW1 function. Due to limited information, the clinical significance of this variant is uncertain.